The following is an entry in ClinVar:

ClinVar aggregate classification (germline): Uncertain significance (1 of 4 stars; one submission).

Submission:

ISCA site 4
Classification: Uncertain significance. Last evaluated: 2011-08-12. Review status: criteria provided, single submitter. Criteria: Kaminsky et al. (Genet Med. 2011). Collection method: clinical testing. Allele origin: paternal. Affected: yes. Observed: 1 variant allele.
Comment: Copy number variation identified through the course of routine clinical cytogenomic testing in postnatal populations. Clinical assertions have been curated as described in Kaminsky et al. 2011.

GRCh38/hg38 19q13.32(chr19:46434490-46831000)x3

Genes: CALM3 (calmodulin 3; plus strand), DACT3 (dishevelled binding antagonist of beta catenin 3; minus strand), DACT3-AS1 (DACT3 antisense RNA 1; plus strand), FKRP (fukutin related protein; plus strand), GNG8 (G protein subunit gamma 8; minus strand) and 43 more. Cytogenetic location: 19q13.32.
Variant type: copy number gain.
Change: copy number 3 (three copies instead of two) of chr19:46,434,490-46,831,000 (396.5 kb, GRCh38 coordinates, 1-based), cytogenetic band 19q13.32.
Identifiers: ClinVar variation 161062 (VCV000161062.1).